The following is an entry in ClinVar:

NM_007294.4(BRCA1):c.2074C>T (p.His692Tyr)

Gene: BRCA1 (BRCA1 DNA repair associated; minus strand). Cytogenetic location: 17q21.31.
Variant type: single nucleotide variant.
Coding change: c.2074C>T on transcript NM_007294.4 (MANE Select); coding-DNA position 2074, C replaced by T.
Protein change: p.His692Tyr; replaces histidine 692 with tyrosine.
Molecular consequence: missense variant. On other transcripts: intron variant (137).
Genome position (GRCh38, 1-based): chr17:43,093,457, G>A on the plus strand (C>T on the coding strand, the complement: BRCA1 is on the minus strand). VCF-style: chr17-43093457-G-A. GRCh37 (hg19) VCF-style: chr17-41245474-G-A.
Other names: c.1993C>T, p.His665Tyr (NM_001407659.1, NM_001407660.1, NM_001407661.1 and 1 more transcripts); c.1996C>T, p.His666Tyr (NM_001407663.1, NM_001407653.1, NM_001407654.1 and 4 more transcripts); c.1951C>T, p.His651Tyr (NM_001407664.1, NM_001407665.1, NM_001407666.1 and 19 more transcripts); c.1948C>T, p.His650Tyr (NM_001407670.1, NM_001407671.1, NM_001407672.1 and 11 more transcripts); c.2074C>T, p.His692Tyr (NM_001407684.1, NM_001407854.1, NM_001407858.1 and 30 more transcripts); c.1933C>T, p.His645Tyr (NM_001407692.1, NM_001407694.1, NM_001407695.1 and 29 more transcripts); c.1930C>T, p.His644Tyr (NM_001407740.1, NM_001407741.1, NM_001407742.1 and 20 more transcripts); c.1861C>T, p.His621Tyr (NM_001407853.1, NM_001407894.1, NM_001407895.1 and 9 more transcripts); and 40 more; short protein forms H692Y, H645Y, H565Y, H581Y, H604Y, H622Y, H396Y, H524Y.
Identifiers: ClinVar variation 433700 (VCV000433700.20), dbSNP rs545736576, ClinGen allele CA057746.
Genomic context (GRCh38, chr17:43,093,457, plus strand): 5'-ACTTAGTAAAAGAACCAGGTGCATTTGTTAACTTCAGCTCTGGGAAAGTATCGCTGTCAT[G>A]TCTTTTACTTGTCTGTTCATTTGGCTTGTTACTCTTCTTGGCTCCAGTTGCAGGTTCTTT-3'
Protein context (NP_009225.1, residues 682-702): NKPNEQTSKR[His692Tyr]DSDTFPELKL

ClinVar aggregate classification (germline): Conflicting classifications of pathogenicity. Review status: criteria provided, conflicting classifications (1 of 4 stars). 6 submissions from 6 submitters: Uncertain significance (3); Benign (1); Likely benign (1). 1 of the submissions does not count toward it. Last evaluated 2025-12-15.

Conditions:
Hereditary cancer-predisposing syndrome. Also called: Hereditary Cancer Syndrome; Hereditary neoplastic syndrome; Neoplastic Syndromes, Hereditary; Tumor predisposition. Identifiers: Orphanet 140162, MedGen C0027672, MeSH D009386, MONDO:0015356.
Hereditary breast ovarian cancer syndrome. Also called: Hereditary breast and ovarian cancer syndrome (HBOC); Breast and ovarian cancer; BRCA1- and BRCA2-Associated Hereditary Breast and Ovarian Cancer; Hereditary breast and/or ovarian cancer syndrome; Hereditary breast and ovarian cancer; Hereditary breast and ovarian cancer syndrome. Identifiers: Orphanet 145, MedGen C0677776, MeSH D061325, MONDO:0003582. Disease mechanism: loss of function.

Allele frequency attached by ClinVar (database versions not stated): gnomAD 0.00001; gnomAD exomes 0.00001 and 0.00002; ExAC 0.00002; 1000 Genomes Project 30x 0.00016; 1000 Genomes Project 0.00020.
gnomAD v4.1: 13 of 1,614,012 alleles (0.00081%); highest among the groups gnomAD compares: South Asian, 0.013%; no homozygotes.

Submissions (6):

Labcorp Genetics (formerly Invitae), Labcorp
Classification: Benign for Hereditary breast ovarian cancer syndrome. Last evaluated: 2025-12-15. Review status: criteria provided, single submitter. Criteria: Invitae Variant Classification Sherloc (09022015). Collection method: clinical testing. Allele origin: germline.

Ambry Genetics
Classification: Uncertain significance for Hereditary cancer-predisposing syndrome. Last evaluated: 2025-11-20. Review status: criteria provided, single submitter. Criteria: Ambry Variant Classification Scheme 2023. Collection method: clinical testing. Allele origin: germline.
Comment: The p.H692Y variant (also known as c.2074C>T), located in coding exon 9 of the BRCA1 gene, results from a C to T substitution at nucleotide position 2074. The histidine at codon 692 is replaced by tyrosine, an amino acid with similar properties. This amino acid position is poorly conserved in available vertebrate species. In addition, this alteration is predicted to be tolerated by in silico analysis. Based on the available evidence, the clinical significance of this variant remains unclear.

Color Diagnostics, LLC DBA Color Health
Classification: Uncertain significance for Hereditary cancer-predisposing syndrome. Last evaluated: 2025-01-07. Review status: criteria provided, single submitter. Criteria: ACMG Guidelines, 2015. Collection method: clinical testing. Allele origin: germline.
Comment: This missense variant replaces histidine with tyrosine at codon 692 of the BRCA1 protein. This variant is located in a cold spot region where missense variants are unlikely to be pathogenic (PMID:31911673). Computational prediction suggests that this variant may not impact protein structure and function. To our knowledge, functional studies have not been reported for this variant. This variant has not been reported in individuals affected with BRCA1-related disorders in the literature. This variant has been identified in 5/251188 chromosomes in the general population by the Genome Aggregation Database (gnomAD). The available evidence is insufficient to determine the role of this variant in disease conclusively. Therefore, this variant is classified as a Variant of Uncertain Significance.

Women's Health and Genetics/Laboratory Corporation of America, LabCorp
Classification: Uncertain significance. Last evaluated: 2024-03-05. Review status: criteria provided, single submitter. Criteria: LabCorp Variant Classification Summary - May 2015. Collection method: clinical testing. Allele origin: germline.
Comment: Variant summary: BRCA1 c.2074C>T (p.His692Tyr) results in a conservative amino acid change in the encoded protein sequence. Five of five in-silico tools predict a benign effect of the variant on protein function. The variant allele was found at a frequency of 2e-05 in 251188 control chromosomes. The available data on variant occurrences in the general population are insufficient to allow any conclusion about variant significance. To our knowledge, no occurrence of c.2074C>T in individuals affected with Hereditary Breast And Ovarian Cancer Syndrome and no experimental evidence demonstrating its impact on protein function have been reported. ClinVar contains an entry for this variant (Variation ID: 433700). Based on the evidence outlined above, the variant was classified as uncertain significance.

University of Washington Department of Laboratory Medicine, University of Washington
Classification: Likely benign for Hereditary cancer-predisposing syndrome. Last evaluated: 2023-03-23. Review status: criteria provided, single submitter. Criteria: Dines et al. (Genet Med. 2020). Collection method: curation. Allele origin: germline.
Comment: Missense variant in a coldspot region where missense variants are very unlikely to be pathogenic (PMID:31911673).

BRCA1 coldspot (exon 11 using historical exon numbering). Reclassification based on statistical prior probability

Department of Pathology and Laboratory Medicine, Sinai Health System
Classification: Uncertain significance. Review status: no assertion criteria provided. Collection method: clinical testing. Allele origin: unknown. Affected: yes. Observed: 1 variant allele. Study: The Canadian Open Genetics Repository (COGR). Not counted in ClinVar's aggregate classification.

Literature cited by the submitters: PubMed 31911673 (cited by Color Diagnostics, LLC DBA Color Health).